The following is an entry in ClinVar:

NM_004522.3(KIF5C):c.2210+302A>G

Gene: KIF5C (kinesin family member 5C; plus strand). Cytogenetic location: 2q23.1.
Variant type: single nucleotide variant.
Coding change: c.2210+302A>G on transcript NM_004522.3 (MANE Select); 302 bases into the intron after coding-DNA position 2210, A replaced by G.
Molecular consequence: intron variant.
Genome position (GRCh38, 1-based): chr2:148,998,811, A>G. VCF-style: chr2-148998811-A-G. GRCh37 (hg19) VCF-style: chr2-149855325-A-G.
Identifiers: ClinVar variation 669391 (VCV000669391.2), dbSNP rs57053845, ClinGen allele CA11199750.

ClinVar aggregate classification (germline): Benign. Review status: criteria provided, multiple submitters, no conflicts (2 of 4 stars). 2 submissions from 2 submitters: Benign (2). Last evaluated 2018-06-14.

Allele frequency attached by ClinVar (database versions not stated): gnomAD exomes 0.37287; 1000 Genomes Project 0.39097; TOPMed 0.42503; gnomAD 0.45110 and 0.45722.
gnomAD v4.1: 73,353 of 165,248 alleles (44%); highest among the groups gnomAD compares: South Asian, 57%; 18,801 homozygotes.

Submissions (2):

GeneDx
Classification: Benign. Last evaluated: 2018-06-14. Review status: criteria provided, single submitter. Criteria: GeneDx Variant Classification (06012015). Collection method: clinical testing. Allele origin: germline. Affected: yes.
Comment: This variant is considered likely benign or benign based on one or more of the following criteria: it is a conservative change, it occurs at a poorly conserved position in the protein, it is predicted to be benign by multiple in silico algorithms, and/or has population frequency not consistent with disease.

Breakthrough Genomics
Classification: Benign. Review status: criteria provided, single submitter. Criteria: ACMG Guidelines, 2015. Collection method: not provided. Allele origin: germline. Inheritance: Autosomal dominant inheritance. Affected: yes.